The following is an entry in ClinVar:

ClinVar aggregate classification (germline): Pathogenic (1 of 4 stars; one submission).

Conditions:
Junctional epidermolysis bullosa. Identifiers: Orphanet 305, MedGen C0079301, MONDO:0017612.

Submission:

Myriad Genetics, Inc.
Classification: Pathogenic for Junctional epidermolysis bullosa. Last evaluated: 2023-09-27. Review status: criteria provided, single submitter. Criteria: Myriad Autosomal Dominant, Autosomal Recessive and X-Linked Classification Criteria (2023). Collection method: clinical testing. Allele origin: unknown.
Comment: NM_000228.2(LAMB3):c.2503dupG(V835Gfs*3) is expected to be pathogenic in the context of junctional epidermolysis bullosa, LAMB3-related. This variant is predicted to lead to an abnormal or absent protein product due to the creation of a premature termination codon in LAMB3, a gene where loss-of-function variants are known to be pathogenic. Please note: this variant was assessed in the context of healthy population screening.

NM_000228.3(LAMB3):c.2503dup (p.Val835fs)

Gene: LAMB3 (laminin subunit beta 3; minus strand). Cytogenetic location: 1q32.2.
Variant type: Duplication.
Coding change: c.2503dup on transcript NM_000228.3 (MANE Select); coding-DNA position 2503, one base duplicated (G; older notation c.2503dupG).
Protein change: p.Val835fs; shifts the reading frame from valine 835.
Molecular consequence: frameshift variant.
Genome position (GRCh38, 1-based): chr1:209,623,035, C duplicated on the plus strand (G on the coding strand, the reverse complement: LAMB3 is on the minus strand); the first of 2 consecutive C bases (chr1:209,623,035-209,623,036); duplicating either gives the same sequence. VCF-style (leftmost placement, unchanged base first): chr1-209623034-A-AC. GRCh37 (hg19) VCF-style: chr1-209796379-A-AC.
Other names: c.2503dup, p.Val835fs (NM_001017402.2, NM_001127641.1); short protein forms V835fs.
Identifiers: ClinVar variation 5011855 (VCV005011855.1).